The following is an entry in ClinVar:

ClinVar aggregate classification (germline): Pathogenic (1 of 4 stars; one submission).

Conditions:
Primary ciliary dyskinesia. Also called: Ciliary dyskinesia. Identifiers: Orphanet 244, MedGen C0008780, MONDO:0016575, HP:0012265.

Allele frequency attached by ClinVar (database versions not stated): TOPMed below 0.00001.

Submission:

Labcorp Genetics (formerly Invitae), Labcorp
Classification: Pathogenic for Primary ciliary dyskinesia. Last evaluated: 2023-10-08. Review status: criteria provided, single submitter. Criteria: Invitae Variant Classification Sherloc (09022015). Collection method: clinical testing. Allele origin: germline.
Comment: This sequence change affects an acceptor splice site in intron 7 of the DNAI1 gene. It is expected to disrupt RNA splicing. Variants that disrupt the donor or acceptor splice site typically lead to a loss of protein function (PMID: 16199547), and loss-of-function variants in DNAI1 are known to be pathogenic (PMID: 16858015, 29363216). This variant is not present in population databases (gnomAD no frequency). Disruption of this splice site has been observed in individual(s) with primary ciliary dyskinesia (PMID: 16858015). This variant is also known as IVS7–2A>G. Algorithms developed to predict the effect of sequence changes on RNA splicing suggest that this variant may disrupt the consensus splice site. For these reasons, this variant has been classified as Pathogenic.

Literature cited by the submitters: PubMed 16199547; PubMed 16858015; PubMed 29363216.

NM_012144.4(DNAI1):c.622-2A>G

Gene: DNAI1 (dynein axonemal intermediate chain 1; plus strand). Cytogenetic location: 9p13.3.
Variant type: single nucleotide variant.
Coding change: c.622-2A>G on transcript NM_012144.4 (MANE Select); the canonical splice acceptor site of the intron before coding-DNA position 622, A replaced by G.
Molecular consequence: splice acceptor variant.
Genome position (GRCh38, 1-based): chr9:34,491,493, A>G. VCF-style: chr9-34491493-A-G. GRCh37 (hg19) VCF-style: chr9-34491491-A-G.
Other names: c.634-2A>G (NM_001281428.2).
Identifiers: ClinVar variation 2735267 (VCV002735267.3), dbSNP rs1824590832, ClinGen allele CA373248524.